The following is an entry in ClinVar:

ClinVar aggregate classification (germline): Conflicting classifications of pathogenicity. Review status: criteria provided, conflicting classifications (1 of 4 stars). 2 submissions from 2 submitters: Pathogenic (1); Uncertain significance (1). Last evaluated 2024-07-04.

Conditions:
Retinitis pigmentosa 12 (RP12). Also called: RP WITH OR WITHOUT PRESERVED PARAARTERIOLE RETINAL PIGMENT EPITHELIUM; RETINITIS PIGMENTOSA WITH OR WITHOUT PARAARTERIOLAR PRESERVATION OF RETINAL PIGMENT EPITHELIUM; RP WITH OR WITHOUT PPRPE. Identifiers: Orphanet 791, MedGen C1838647, MONDO:0010818, OMIM 600105.
Leber congenital amaurosis 8 (LCA8). Identifiers: Orphanet 65, MedGen C3151202, MONDO:0013453, OMIM 613835.

Submissions (2):

Blueprint Genetics
Classification: Uncertain significance. Last evaluated: 2024-07-04. Review status: criteria provided, single submitter. Criteria: ACMG Guidelines, 2015. Collection method: clinical testing. Allele origin: germline.

Labcorp Genetics (formerly Invitae), Labcorp
Classification: Pathogenic for Leber congenital amaurosis 8; Retinitis pigmentosa 12. Last evaluated: 2023-09-21. Review status: criteria provided, single submitter. Criteria: Invitae Variant Classification Sherloc (09022015). Collection method: clinical testing. Allele origin: germline.
Comment: For these reasons, this variant has been classified as Pathogenic. This variant disrupts a region of the CRB1 protein in which other variant(s) (p.Glu1403Gln) have been determined to be pathogenic (PMID: 24715753, 33090715). This suggests that this is a clinically significant region of the protein, and that variants that disrupt it are likely to be disease-causing. ClinVar contains an entry for this variant (Variation ID: 1512806). This variant has not been reported in the literature in individuals affected with CRB1-related conditions. This variant is not present in population databases (gnomAD no frequency). This sequence change results in a frameshift in the CRB1 gene (p.Glu1392Aspfs*29). While this is not anticipated to result in nonsense mediated decay, it is expected to disrupt the last 15 amino acid(s) of the CRB1 protein and extend the protein by 13 additional amino acid residues.

Literature cited by the submitters: PubMed 24715753 (cited by Labcorp Genetics (formerly Invitae), Labcorp); PubMed 33090715 (cited by Labcorp Genetics (formerly Invitae), Labcorp).

NM_201253.3(CRB1):c.4176_4177del (p.Glu1392fs)

Gene: CRB1 (crumbs cell polarity complex component 1; plus strand). Cytogenetic location: 1q31.3.
Variant type: Deletion.
Coding change: c.4176_4177del on transcript NM_201253.3 (MANE Select); coding-DNA positions 4176 to 4177, 2 bases deleted (AA; older notation c.4176_4177delAA).
Protein change: p.Glu1392fs; shifts the reading frame from glutamic acid 1392.
Molecular consequence: frameshift variant. On other transcripts: non-coding transcript variant (2).
Genome position (GRCh38, 1-based): chr1:197,477,834-197,477,835, AA deleted; deleting any 2 consecutive bases within chr1:197,477,833-197,477,835 gives the same sequence; the c. name uses the placement nearest the transcript's 3' end. VCF-style (leftmost placement, unchanged base first): chr1-197477832-GAA-G. GRCh37 (hg19) VCF-style: chr1-197446962-GAA-G.
Other names: c.3840_3841del, p.Glu1280fs (NM_001193640.2); c.4104_4105del, p.Glu1368fs (NM_001257965.2); c.2568_2569del, p.Glu856fs (NM_001257966.2); short protein forms E856fs, E1368fs, E1280fs, E1392fs.
Identifiers: ClinVar variation 1512806 (VCV001512806.10), dbSNP rs2125574236, ClinGen allele CA2573131443.